The following is an entry in ClinVar:

ClinVar aggregate classification (germline): Benign/Likely benign. Review status: criteria provided, multiple submitters, no conflicts (2 of 4 stars). 6 submissions from 6 submitters: Benign (2); Likely benign (4). Last evaluated 2025-11-28.

Conditions:
Hereditary xanthinuria type 1 (XAN1). Identifiers: Orphanet 3467, Orphanet 93601, MedGen C0268118, MONDO:0010209, OMIM 278300.
Xanthinuria type II. Also called: Xanthine dehydrogenase and aldehyde oxidase combined deficiency of; XDH and AOX dual deficiency. Identifiers: Orphanet 3467, Orphanet 93602, MedGen C1863688, MONDO:0011346, OMIM 603592.

Allele frequency attached by ClinVar (database versions not stated): gnomAD exomes 0.00065; ExAC 0.00082; gnomAD 0.00230 and 0.00250; ESP Exome Variant Server 0.00231; 1000 Genomes Project 0.00280; 1000 Genomes Project 30x 0.00297; TOPMed 0.00329.
gnomAD v4.1: 680 of 1,613,862 alleles (0.042%); highest among the groups gnomAD compares: African/African-American, 0.7%; 2 homozygotes.

Submissions (6):

Labcorp Genetics (formerly Invitae), Labcorp
Classification: Benign for Xanthinuria type II. Last evaluated: 2025-11-28. Review status: criteria provided, single submitter. Criteria: Invitae Variant Classification Sherloc (09022015). Collection method: clinical testing. Allele origin: germline.

Blueprint Genetics
Classification: Likely benign. Last evaluated: 2024-07-18. Review status: criteria provided, single submitter. Criteria: ACMG Guidelines, 2015. Collection method: clinical testing. Allele origin: germline.

CeGaT Center for Human Genetics Tuebingen
Classification: Likely benign. Last evaluated: 2023-04-01. Review status: criteria provided, single submitter. Criteria: CeGaT Center For Human Genetics Tuebingen Variant Classification Criteria Version 2. Collection method: clinical testing. Allele origin: germline. Affected: yes. Observed: 1 variant allele.
Comment: XDH: BP4, BP7

Genome-Nilou Lab
Classification: Benign for Hereditary xanthinuria type 1. Last evaluated: 2021-12-05. Review status: criteria provided, single submitter. Criteria: ACMG Guidelines, 2015. Collection method: clinical testing. Allele origin: germline. Affected: no.

Illumina Laboratory Services, Illumina
Classification: Likely benign for Hereditary xanthinuria type 1. Last evaluated: 2018-01-13. Review status: criteria provided, single submitter. Criteria: ICSL Variant Classification Criteria 13 December 2019. Collection method: clinical testing. Allele origin: germline.
Comment: This variant was observed in the ICSL laboratory as part of a predisposition screen in an ostensibly healthy population. It had not been previously curated by ICSL or reported in the Human Gene Mutation Database (HGMD: prior to June 1st, 2018), and was therefore a candidate for classification through an automated scoring system. Utilizing variant allele frequency, disease prevalence and penetrance estimates, and inheritance mode, an automated score was calculated to assess if this variant is too frequent to cause the disease. Based on the score and internal cut-off values, a variant classified as likely benign is not then subjected to further curation. The score for this variant resulted in a classification of likely benign for this disease.

Breakthrough Genomics
Classification: Likely benign. Review status: criteria provided, single submitter. Criteria: ACMG Guidelines, 2015. Collection method: not provided. Allele origin: germline. Inheritance: Autosomal recessive inheritance. Affected: yes.

NM_000379.4(XDH):c.1629C>T (p.Phe543=)

Gene: XDH (xanthine dehydrogenase; minus strand). Cytogenetic location: 2p23.1.
Variant type: single nucleotide variant.
Coding change: c.1629C>T on transcript NM_000379.4 (MANE Select); coding-DNA position 1629, C replaced by T.
Protein change: p.Phe543=; no amino-acid change (phenylalanine 543 retained).
Molecular consequence: synonymous variant.
Genome position (GRCh38, 1-based): chr2:31,373,930, G>A on the plus strand (C>T on the coding strand, the complement: XDH is on the minus strand). VCF-style: chr2-31373930-G-A. GRCh37 (hg19) VCF-style: chr2-31596796-G-A.
Identifiers: ClinVar variation 335786 (VCV000335786.42), dbSNP rs140651875, ClinGen allele CA1599159.
Genomic context (GRCh38, chr2:31,373,930, plus strand): 5'-CACTTGGAAGAGCTGGACATCGGCTGGGGGGTCTTTCTGAAACAGTAAAGTTGCACTGGC[G>A]AAAGTGGGGTCCAGTTTACCACACTTCTGTGGAGACAAGAAAACAGAGGTGACCAGGATT-3'
Protein context (NP_000370.2, residues 533-553): EDKCGKLDPT[Phe543=]ASATLLFQKD